The following is an entry in ClinVar:

NM_013296.5(GPSM2):c.478G>C (p.Gly160Arg)

Gene: GPSM2 (G protein signaling modulator 2; plus strand). Cytogenetic location: 1p13.3.
Variant type: single nucleotide variant.
Coding change: c.478G>C on transcript NM_013296.5 (MANE Select); coding-DNA position 478, G replaced by C.
Protein change: p.Gly160Arg; replaces glycine 160 with arginine.
Molecular consequence: missense variant.
Genome position (GRCh38, 1-based): chr1:108,898,022, G>C. VCF-style: chr1-108898022-G-C. GRCh37 (hg19) VCF-style: chr1-109440644-G-C.
Other names: c.478G>C, p.Gly160Arg (NM_001321038.2, NM_001321039.3); short protein forms G160R.
Identifiers: ClinVar variation 618146 (VCV000618146.9), dbSNP rs1557862489, ClinGen allele CA341458122.

ClinVar aggregate classification (germline): Uncertain significance (1 of 4 stars; one submission).

Conditions:
Chudley-McCullough syndrome (CMCS). Also called: DEAFNESS, SENSORINEURAL, WITH PARTIAL AGENESIS OF THE CORPUS CALLOSUM AND ARACHNOID CYSTS; Deafness, autosomal recessive 82. Identifiers: Orphanet 314597, MedGen C1858695, MONDO:0011411, OMIM 604213.

Allele frequency attached by ClinVar (database versions not stated): gnomAD exomes below 0.00001.
gnomAD v4.1: 2 of 1,613,710 alleles (0.00012%); highest among the groups gnomAD compares: Non-Finnish European, 0.00017%; no homozygotes.

Submission:

ARUP Laboratories, Molecular Genetics and Genomics, ARUP Laboratories
Classification: Uncertain significance for Chudley-McCullough syndrome. Last evaluated: 2018-12-05. Review status: criteria provided, single submitter. Criteria: ARUP Molecular Germline Variant Investigation Process. Collection method: clinical testing. Allele origin: germline.
Comment: The p.Gly160Arg variant has not been reported in the medical literature, gene specific variation databases, nor has it been previously identified by our laboratory. It is absent from general population databases such as 1000 Genomes, NHLBI GO Exome Sequencing Project (ESP), and the Genome Aggregation Database (gnomAD). The glycine at position 160 is weakly conserved considering 12 species (Alamut v2.10) and computational analyses of the effects of the p.Gly160Arg variant on protein structure and function provide conflicting results (SIFT: tolerated, MutationTaster: disease causing, PolyPhen-2: benign). Altogether, there is not enough evidence to classify the p.Gly160Arg variant with certainty.